The following is an entry in ClinVar:

NM_020831.6(MRTFA):c.2365-3C>T

Gene: MRTFA (myocardin related transcription factor A; minus strand). Cytogenetic location: 22q13.1.
Variant type: single nucleotide variant.
Coding change: c.2365-3C>T on transcript NM_020831.6 (MANE Select); 3 bases into the intron before coding-DNA position 2365, C replaced by T.
Molecular consequence: intron variant.
Genome position (GRCh38, 1-based): chr22:40,417,496, G>A on the plus strand (C>T on the coding strand, the complement: MRTFA is on the minus strand). VCF-style: chr22-40417496-G-A. GRCh37 (hg19) VCF-style: chr22-40813500-G-A.
Other names: c.2215-3C>T (NM_001282661.3); c.2365-3C>T (NM_001282662.3); c.2170-3C>T (NM_001318139.2); c.2065-3C>T (NM_001282660.2).
Identifiers: ClinVar variation 1682959 (VCV001682959.6), dbSNP rs765494633, ClinGen allele CA10249348.

ClinVar aggregate classification (germline): Uncertain significance (1 of 4 stars; one submission).

Allele frequency attached by ClinVar (database versions not stated): gnomAD exomes 0.00001.
gnomAD v4.1: 6 of 1,500,250 alleles (0.0004%); no homozygotes.

Submission:

Labcorp Genetics (formerly Invitae), Labcorp
Classification: Uncertain significance. Last evaluated: 2024-02-14. Review status: criteria provided, single submitter. Criteria: Invitae Variant Classification Sherloc (09022015). Collection method: clinical testing. Allele origin: germline.
Comment: This sequence change falls in intron 12 of the MKL1 gene. It does not directly change the encoded amino acid sequence of the MKL1 protein. It affects a nucleotide within the consensus splice site. The frequency data for this variant in the population databases is considered unreliable, as metrics indicate poor data quality at this position in the gnomAD database. This variant has not been reported in the literature in individuals affected with MKL1-related conditions. ClinVar contains an entry for this variant (Variation ID: 1682959). Variants that disrupt the consensus splice site are a relatively common cause of aberrant splicing (PMID: 17576681, 9536098). Algorithms developed to predict the effect of sequence changes on RNA splicing suggest that this variant is not likely to affect RNA splicing. In summary, the available evidence is currently insufficient to determine the role of this variant in disease. Therefore, it has been classified as a Variant of Uncertain Significance.

Literature cited by the submitters: PubMed 17576681; PubMed 9536098.